The following is an entry in ClinVar:

ClinVar aggregate classification (germline): Benign. Review status: criteria provided, multiple submitters, no conflicts (2 of 4 stars). 7 submissions from 6 submitters: Benign (7). Last evaluated 2026-02-03.

Conditions:
Dehydrated hereditary stomatocytosis with or without pseudohyperkalemia and/or perinatal edema (DHS1). Also called: Dehydrated hereditary stomatocytosis 1 with or without pseudohyperkalemia and/or perinatal edema; PSEUDOHYPERKALEMIA EDINBURGH; DEHYDRATED HEREDITARY STOMATOCYTOSIS AND PSEUDOHYPERKALEMIA; DEHYDRATED HEREDITARY STOMATOCYTOSIS WITH PSEUDOHYPERKALEMIA AND PERINATAL EDEMA; Pseudohyperkalemia, familial, 1, due to red cell leak. Identifiers: Orphanet 3202, MedGen C4551512, MONDO:0008689, OMIM 194380.
Lymphatic malformation 6 (LMPHM6). Also called: GENERALIZED LYMPHATIC DYSPLASIA OF FOTIOU; Lymphedema, hereditary, III; PIEZO1-related generalized lymphatic dysplasia with non-immune hydrops fetalis. Identifiers: Orphanet 568062, MedGen C4225184, MONDO:0014797, OMIM 616843.

Submissions (7):

Labcorp Genetics (formerly Invitae), Labcorp
Classification: Benign. Last evaluated: 2026-02-03. Review status: criteria provided, single submitter. Criteria: Invitae Variant Classification Sherloc (09022015). Collection method: clinical testing. Allele origin: germline.

ARUP Laboratories, Molecular Genetics and Genomics, ARUP Laboratories
Classification: Benign. Last evaluated: 2025-07-31. Review status: criteria provided, single submitter. Criteria: ARUP Molecular Germline Variant Investigation Process 2024. Collection method: clinical testing. Allele origin: germline.

Blueprint Genetics
Classification: Benign. Last evaluated: 2024-11-27. Review status: criteria provided, single submitter. Criteria: ACMG Guidelines, 2015. Collection method: clinical testing. Allele origin: germline.

Genome-Nilou Lab
Classification: Benign for Dehydrated hereditary stomatocytosis with or without pseudohyperkalemia and/or perinatal edema. Last evaluated: 2021-09-05. Review status: criteria provided, single submitter. Criteria: ACMG Guidelines, 2015. Collection method: clinical testing. Allele origin: germline. Affected: no.

Genome-Nilou Lab
Classification: Benign for Lymphatic malformation 6. Last evaluated: 2021-09-05. Review status: criteria provided, single submitter. Criteria: ACMG Guidelines, 2015. Collection method: clinical testing. Allele origin: germline. Affected: no.

GeneDx
Classification: Benign. Last evaluated: 2018-07-09. Review status: criteria provided, single submitter. Criteria: GeneDx Variant Classification Process June 2021. Collection method: clinical testing. Allele origin: germline. Affected: yes.
Comment: This variant is associated with the following publications: (PMID: 28716860, 26178367)

Mayo Clinic Laboratories, Mayo Clinic
Classification: Benign. Last evaluated: 2016-04-27. Review status: criteria provided, single submitter. Criteria: ACMG Guidelines, 2015. Collection method: clinical testing. Allele origin: germline. Observed: 1,289 variant alleles.

NM_001142864.4(PIEZO1):c.5629AAG[1] (p.Lys1878del)

Gene: PIEZO1 (piezo type mechanosensitive ion channel component 1 (Er blood group); minus strand). Cytogenetic location: 16q24.3.
Variant type: Microsatellite.
Coding change: c.5629AAG[1] on transcript NM_001142864.4 (MANE Select); one copy of the 3-base unit AAG starting at c.5629; the reference has two copies in a row; one copy, 3 bases deleted; also written c.5632_5634del.
Protein change: p.Lys1878del; deletes lysine 1878.
Molecular consequence: inframe deletion.
Genome position (GRCh38, 1-based): chr16:88,721,200-88,721,202, CTT deleted on the plus strand (AAG on the coding strand, the reverse complement: PIEZO1 is on the minus strand); deleting any 3 consecutive bases within chr16:88,721,200-88,721,206 gives the same sequence; the position shown is the placement nearest the transcript's 3' end. VCF-style (leftmost placement, unchanged base first): chr16-88721199-CCTT-C. GRCh37 (hg19) VCF-style: chr16-88787607-CCTT-C.
Other names: p.Lys1878del; c.5632_5634del (NM_001142864.4); short protein forms K1878del.
Identifiers: ClinVar variation 440036 (VCV000440036.32), dbSNP rs3217718, ClinGen allele CA8231831.
Genomic context (GRCh38, chr16:88,721,199, plus strand): 5'-GGAGGTTGTGAGGCAGGGCGCTTATACCGATGGCTGCCGCTCCTTTCCGTGCTGGGCCCT[CCTT>C]CTTCCTTCTTCTAAAACGTAGACTGATGCGCCTCGTATCACGGGGCCTGAGCTCCACTTG-3'